The following is an entry in ClinVar:

ClinVar aggregate classification (germline): Uncertain significance (1 of 4 stars; one submission).

Submission:

GeneDx
Classification: Uncertain significance. Last evaluated: 2017-03-16. Review status: criteria provided, single submitter. Criteria: GeneDx Variant Classification (06012015). Collection method: clinical testing. Allele origin: germline. Affected: yes.
Comment: A variant of uncertain significance has been identified in the ACTC1 gene. The K375R variant has not been published as pathogenic or been reported as benign to our knowledge. This variant is not observed in large population cohorts (Lek et al., 2016; 1000 Genomes Consortium et al., 2015; Exome Variant Server). This substitution occurs at a position that is conserved across species and in silico analysis suggests that this variant is probably damaging to the protein structure/function. However, the K375R variant is a conservative amino acid substitution, which is not likely to impact secondary protein structure as these residues share similar properties.

NM_005159.5(ACTC1):c.1124A>G (p.Lys375Arg)

Genes: GJD2-DT (GJD2 divergent transcript; plus strand), ACTC1 (actin alpha cardiac muscle 1; minus strand). Cytogenetic location: 15q14.
Variant type: single nucleotide variant.
Coding change: c.1124A>G on transcript NM_005159.5 (MANE Select); coding-DNA position 1124, A replaced by G.
Protein change: p.Lys375Arg; replaces lysine 375 with arginine.
Molecular consequence: missense variant.
Genome position (GRCh38, 1-based): chr15:34,790,422, T>C on the plus strand (A>G on the coding strand, the complement: ACTC1 is on the minus strand). VCF-style: chr15-34790422-T-C. GRCh37 (hg19) VCF-style: chr15-35082623-T-C.
Other names: c.1124A>G (LRG_388t1); short protein forms K375R.
Identifiers: ClinVar variation 222483 (VCV000222483.2), dbSNP rs869025355, ClinGen allele CA351823.